The following is an entry in ClinVar:

NM_003803.4(MYOM1):c.2923G>A (p.Val975Ile)

Gene: MYOM1 (myomesin 1; minus strand). Cytogenetic location: 18p11.31.
Variant type: single nucleotide variant.
Coding change: c.2923G>A on transcript NM_003803.4 (MANE Select); coding-DNA position 2923, G replaced by A.
Protein change: p.Val975Ile; replaces valine 975 with isoleucine.
Molecular consequence: missense variant.
Genome position (GRCh38, 1-based): chr18:3,126,769, C>T on the plus strand (G>A on the coding strand, the complement: MYOM1 is on the minus strand). VCF-style: chr18-3126769-C-T. GRCh37 (hg19) VCF-style: chr18-3126767-C-T.
Other names: c.2635G>A, p.Val879Ile (NM_019856.2); short protein forms V975I, V879I.
Identifiers: ClinVar variation 1797734 (VCV001797734.2), dbSNP rs1351193201, ClinGen allele CA401708457.

ClinVar aggregate classification (germline): Uncertain significance (1 of 4 stars; one submission).

Submission:

Ambry Genetics
Classification: Uncertain significance. Last evaluated: 2022-03-09. Review status: criteria provided, single submitter. Criteria: Ambry Variant Classification Scheme 2023. Collection method: clinical testing. Allele origin: germline.
Comment: The p.V975I variant (also known as c.2923G>A), located in coding exon 18 of the MYOM1 gene, results from a G to A substitution at nucleotide position 2923. The valine at codon 975 is replaced by isoleucine, an amino acid with highly similar properties. This amino acid position is conserved. In addition, this alteration is predicted to be tolerated by in silico analysis. Since supporting evidence is limited at this time, the clinical significance of this alteration remains unclear.